The following is an entry in ClinVar:

ClinVar aggregate classification (germline): Uncertain significance. Review status: criteria provided, multiple submitters, no conflicts (2 of 4 stars). 2 submissions from 2 submitters: Uncertain significance (2). Last evaluated 2024-03-14.

Conditions:
Hereditary nonpolyposis colorectal neoplasms. Identifiers: MedGen C0009405, MeSH D003123.
Hereditary cancer-predisposing syndrome. Also called: Neoplastic Syndromes, Hereditary; Tumor predisposition; Hereditary Cancer Syndrome; Hereditary neoplastic syndrome. Identifiers: Orphanet 140162, MedGen C0027672, MeSH D009386, MONDO:0015356.

Submissions (2):

Ambry Genetics
Classification: Uncertain significance for Hereditary cancer-predisposing syndrome. Last evaluated: 2024-03-14. Review status: criteria provided, single submitter. Criteria: Ambry Variant Classification Scheme 2023. Collection method: clinical testing. Allele origin: germline.
Comment: The p.K519N variant (also known as c.1557G>C), located in coding exon 4 of the MSH6 gene, results from a G to C substitution at nucleotide position 1557. The lysine at codon 519 is replaced by asparagine, an amino acid with similar properties. This amino acid position is well conserved in available vertebrate species. In addition, the in silico prediction for this alteration is inconclusive. Based on the available evidence, the clinical significance of this alteration remains unclear.

Labcorp Genetics (formerly Invitae), Labcorp
Classification: Uncertain significance for Hereditary nonpolyposis colorectal neoplasms. Last evaluated: 2022-05-05. Review status: criteria provided, single submitter. Criteria: Invitae Variant Classification Sherloc (09022015). Collection method: clinical testing. Allele origin: germline.
Comment: In summary, the available evidence is currently insufficient to determine the role of this variant in disease. Therefore, it has been classified as a Variant of Uncertain Significance. Algorithms developed to predict the effect of missense changes on protein structure and function are either unavailable or do not agree on the potential impact of this missense change (SIFT: "Deleterious"; PolyPhen-2: "Probably Damaging"; Align-GVGD: "Class C0"). ClinVar contains an entry for this variant (Variation ID: 233496). This variant has not been reported in the literature in individuals affected with MSH6-related conditions. This variant is not present in population databases (gnomAD no frequency). This sequence change replaces lysine, which is basic and polar, with asparagine, which is neutral and polar, at codon 519 of the MSH6 protein (p.Lys519Asn).

NM_000179.3(MSH6):c.1557G>C (p.Lys519Asn)

Gene: MSH6 (mutS homolog 6; plus strand). Cytogenetic location: 2p16.3.
Variant type: single nucleotide variant.
Coding change: c.1557G>C on transcript NM_000179.3 (MANE Select); coding-DNA position 1557, G replaced by C.
Protein change: p.Lys519Asn; replaces lysine 519 with asparagine.
Molecular consequence: missense variant.
Genome position (GRCh38, 1-based): chr2:47,799,540, G>C. VCF-style: chr2-47799540-G-C. GRCh37 (hg19) VCF-style: chr2-48026679-G-C.
Other names: c.1167G>C, p.Lys389Asn (NM_001281492.2); c.651G>C, p.Lys217Asn (NM_001281493.2, NM_001281494.2); short protein forms K519N, K217N, K389N.
Identifiers: ClinVar variation 233496 (VCV000233496.11), dbSNP rs876660445, ClinGen allele CA10578075.